The following is an entry in ClinVar:

ClinVar aggregate classification (germline): Likely benign. Review status: criteria provided, multiple submitters, no conflicts (2 of 4 stars). 4 submissions from 4 submitters: Likely benign (3). 1 of the submissions does not count toward it. Last evaluated 2026-02-02.

Conditions:
Frontometaphyseal dysplasia (FMD1). Identifiers: Orphanet 1826, MedGen C0265293, MONDO:0015942.
Heterotopia, periventricular, X-linked dominant (PVNH1). Also called: X-linked periventricular heterotopia; PERIVENTRICULAR NODULAR HETEROTOPIA 4; HETEROTOPIA, PERIVENTRICULAR, 1; PERIVENTRICULAR NODULAR HETEROTOPIA 1. Identifiers: Orphanet 2149, Orphanet 82004, MedGen C1848213, MONDO:0010233, OMIM 300049.
Oto-palato-digital syndrome, type II (OPD2). Also called: Otopalatodigital Syndrome Type 2 (FLNA-OPD2); FACIOPALATOOSSEOUS SYNDROME; Otopalatodigital Syndrome, Type II; OPD II SYNDROME. Identifiers: Orphanet 669, Orphanet 90652, MedGen C1844696, MONDO:0010571, OMIM 304120.
Melnick-Needles syndrome (MNS). Also called: Melnick-Needles Syndrome (FLNA-MNS); MELNICK-NEEDLES OSTEODYSPLASTY; OSTEODYSPLASTY OF MELNICK AND NEEDLES. Identifiers: Orphanet 2484, MedGen C0025237, MONDO:0010650, OMIM 309350.
FLNA-related disorder.

Allele frequency attached by ClinVar (database versions not stated): gnomAD exomes below 0.00001.

Submissions (4):

Labcorp Genetics (formerly Invitae), Labcorp
Classification: Likely benign for Oto-palato-digital syndrome, type II; Heterotopia, periventricular, X-linked dominant; Frontometaphyseal dysplasia; Melnick-Needles syndrome. Last evaluated: 2026-02-02. Review status: criteria provided, single submitter. Criteria: Invitae Variant Classification Sherloc (09022015). Collection method: clinical testing. Allele origin: germline.

CeGaT Center for Human Genetics Tuebingen
Classification: Likely benign. Last evaluated: 2022-04-01. Review status: criteria provided, single submitter. Criteria: CeGaT Center For Human Genetics Tuebingen Variant Classification Criteria Version 2. Collection method: clinical testing. Allele origin: germline. Affected: yes. Observed: 1 variant allele.
Comment: FLNA: PM2:Supporting, BP4, BP7

GeneDx
Classification: Likely benign. Last evaluated: 2018-02-15. Review status: criteria provided, single submitter. Criteria: GeneDx Variant Classification (06012015). Collection method: clinical testing. Allele origin: germline. Affected: yes.
Comment: This variant is considered likely benign or benign based on one or more of the following criteria: it is a conservative change, it occurs at a poorly conserved position in the protein, it is predicted to be benign by multiple in silico algorithms, and/or has population frequency not consistent with disease.

PreventionGenetics, part of Exact Sciences
Classification: Likely benign for FLNA-related condition. Last evaluated: 2019-04-30. Review status: no assertion criteria provided. Collection method: clinical testing. Allele origin: germline. Not counted in ClinVar's aggregate classification.
Comment: This variant is classified as likely benign based on ACMG/AMP sequence variant interpretation guidelines (Richards et al. 2015 PMID: 25741868, with internal and published modifications).

NM_001110556.2(FLNA):c.690G>A (p.Gln230=)

Gene: FLNA (filamin A; minus strand). Cytogenetic location: Xq28.
Variant type: single nucleotide variant.
Coding change: c.690G>A on transcript NM_001110556.2 (MANE Select); coding-DNA position 690, G replaced by A.
Protein change: p.Gln230=; no amino-acid change (glutamine 230 retained).
Molecular consequence: synonymous variant.
Genome position (GRCh38, 1-based): chrX:154,367,671, C>T on the plus strand (G>A on the coding strand, the complement: FLNA is on the minus strand). VCF-style: chrX-154367671-C-T. GRCh37 (hg19) VCF-style: chrX-153596039-C-T.
Other names: c.690G>A, p.Gln230= (NM_001456.4); c.690G>A (NM_001110556.1).
Identifiers: ClinVar variation 515601 (VCV000515601.33), dbSNP rs1557179590, ClinGen allele CA519709851.